The following is an entry in ClinVar:

ClinVar aggregate classification (germline): Pathogenic (1 of 4 stars; one submission).

Conditions:
Gorlin syndrome. Also called: Nevoid Basal Cell Carcinoma Syndrome; Basal cell nevus syndrome. Identifiers: Orphanet 377, MedGen C0004779, MONDO:0007187.

Submission:

Labcorp Genetics (formerly Invitae), Labcorp
Classification: Pathogenic for Gorlin syndrome. Last evaluated: 2014-08-08. Review status: criteria provided, single submitter. Criteria: Invitae Variant Classification Sherloc (09022015). Collection method: clinical testing. Allele origin: germline.
Comment: While this particular sequence change has not been reported in the literature, truncating mutations in PTCH1 are known to be pathogenic (PMID: 16419085). This sequence change results in a frameshift at codon 494 which leads to a premature translational stop signal at codon 496. It is expected to result in an absent or disrupted protein product. This sequence change has not been reported in affected patients and has not been reported as a common polymorphism in the population.

Literature cited by the submitters: PubMed 16419085.

NM_000264.5(PTCH1):c.1480dup (p.Ser494fs)

Gene: PTCH1 (patched 1; minus strand). Cytogenetic location: 9q22.32.
Variant type: Duplication.
Coding change: c.1480dup on transcript NM_000264.5 (MANE Select); coding-DNA position 1480, one base duplicated (T; older notation c.1480dupT).
Protein change: p.Ser494fs; shifts the reading frame from serine 494.
Molecular consequence: frameshift variant. On other transcripts: non-coding transcript variant (1), intron variant (1).
Genome position (GRCh38, 1-based): chr9:95,477,570, A duplicated on the plus strand (T on the coding strand, the reverse complement: PTCH1 is on the minus strand); the first of 3 consecutive A bases (chr9:95,477,570-95,477,572); duplicating any one gives the same sequence. VCF-style (leftmost placement, unchanged base first): chr9-95477569-G-GA. GRCh37 (hg19) VCF-style: chr9-98239851-G-GA.
Other names: c.1282dup, p.Ser428fs (NM_001083602.3); c.1477dup, p.Ser493fs (NM_001083603.3); c.1027dup, p.Ser343fs (NM_001083604.3, NM_001083605.3, NM_001083606.3 and 1 more transcripts); c.1347+483dup (NM_001354918.2); short protein forms S343fs, S428fs, S493fs, S494fs.
Identifiers: ClinVar variation 1069018 (VCV001069018.9), dbSNP rs2118303436, ClinGen allele CA2499220065.